The following is an entry in ClinVar:

NM_001999.4(FBN2):c.3584G>A (p.Arg1195His)

Gene: FBN2 (fibrillin 2; minus strand). Cytogenetic location: 5q23.3.
Variant type: single nucleotide variant.
Coding change: c.3584G>A on transcript NM_001999.4 (MANE Select); coding-DNA position 3584, G replaced by A.
Protein change: p.Arg1195His; replaces arginine 1195 with histidine.
Molecular consequence: missense variant.
Genome position (GRCh38, 1-based): chr5:128,338,011, C>T on the plus strand (G>A on the coding strand, the complement: FBN2 is on the minus strand). VCF-style: chr5-128338011-C-T. GRCh37 (hg19) VCF-style: chr5-127673703-C-T.
Other names: short protein forms R1195H.
Identifiers: ClinVar variation 449577 (VCV000449577.10), dbSNP rs751600209, ClinGen allele CA3395197.
Genomic context (GRCh38, chr5:128,338,011, plus strand): 5'-TACCAGTTGTGCTGGGCAGGTTTATGTGCTGAGGAGATAAACTCACCCACACAGTCCTCA[C>T]GGGATGGTGACAGCTCGTGTCCCAGTGGGCAGTCACACTGAAAGCTGCCCTCAGTGTTCA-3'
Protein context (NP_001990.2, residues 1185-1205): CPLGHELSPS[Arg1195His]EDCVDINECS

ClinVar aggregate classification (germline): Conflicting classifications of pathogenicity. Review status: criteria provided, conflicting classifications (1 of 4 stars). 4 submissions from 4 submitters: Uncertain significance (3); Likely benign (1). Last evaluated 2026-01-10.

Conditions:
Familial thoracic aortic aneurysm and aortic dissection (TAAD). Also called: Thoracic aortic aneurysms and dissections. Identifiers: Orphanet 91387, MedGen C4707243, MONDO:0019625.
Congenital contractural arachnodactyly (CCA). Also called: BEALS SYNDROME; Beals-Hecht syndrome; Arthrogryposis, distal, type 9. Identifiers: Orphanet 115, MedGen C0220668, MONDO:0007363, OMIM 121050.
Macular degeneration, early-onset (EOMD). Identifiers: MedGen C4015286, MONDO:0014501, OMIM 616118.

Allele frequency attached by ClinVar (database versions not stated): gnomAD exomes 0.00002; ExAC 0.00002; gnomAD 0.00005; TOPMed 0.00005.
gnomAD v4.1: 26 of 1,614,008 alleles (0.0016%); highest among the groups gnomAD compares: African/African-American, 0.011%; no homozygotes.

Submissions (4):

Ambry Genetics
Classification: Uncertain significance for Familial thoracic aortic aneurysm and aortic dissection. Last evaluated: 2026-01-10. Review status: criteria provided, single submitter. Criteria: Ambry Variant Classification Scheme 2023. Collection method: clinical testing. Allele origin: germline.
Comment: The p.R1195H variant (also known as c.3584G>A), located in coding exon 27 of the FBN2 gene, results from a G to A substitution at nucleotide position 3584. The arginine at codon 1195 is replaced by histidine, an amino acid with highly similar properties. This amino acid position is conserved. In addition, the in silico prediction for this alteration is inconclusive. Based on the available evidence, the clinical significance of this variant remains unclear.

Labcorp Genetics (formerly Invitae), Labcorp
Classification: Likely benign for Congenital contractural arachnodactyly. Last evaluated: 2022-09-27. Review status: criteria provided, single submitter. Criteria: Invitae Variant Classification Sherloc (09022015). Collection method: clinical testing. Allele origin: germline.

GeneDx
Classification: Uncertain significance. Last evaluated: 2017-08-08. Review status: criteria provided, single submitter. Criteria: GeneDx Variant Classification (06012015). Collection method: clinical testing. Allele origin: germline. Affected: yes.
Comment: The R1195H variant of uncertain significance in the FBN2 gene has not been published as pathogenic or been reported as benign to our knowledge. R1195H is not observed at a significant frequency in large population cohorts (Lek et al., 2016; 1000 Genomes Consortium et al., 2015; Exome Variant Server). The R1195H variant is a conservative amino acid substitution, which is not likely to impact secondary protein structure as these residues share similar properties. This substitution occurs at a position that is conserved in mammals, however, H1195 is the wild-type residue in at least one species. In silico analysis is inconsistent in its predictions as to whether or not the variant is damaging to the protein structure/function. Finally, although located within a calcium-binding EGF-like domain of the FBN2 gene, the R1195H variant does not affect a Cysteine residue. Cysteine substitutions in the calcium-binding EGF-like domains represent the majority of pathogenic missense changes associated with congenital contractural arachnodactyly (FrÃ©dÃ©ric et al., 2009).

Center for Genomics, Ann and Robert H. Lurie Children's Hospital of Chicago
Classification: Uncertain significance for Macular degeneration, early-onset; Congenital contractural arachnodactyly. Review status: criteria provided, single submitter. Criteria: ACMG Guidelines, 2015. Collection method: clinical testing. Allele origin: germline.
Comment: FBN2 NM_001999.3 exon 27 p.Arg1195His (c.3584G>A): This variant has not been reported in the literature and is present in 0.02% (5/24962) of African alleles in the Genome Aggregation Database. This variant is present in ClinVar (Variation ID:449577). This variant amino acid Histidine (His) is present in multiple species including the naked mole rat, opossum, and mallard duck, and it is not well conserved among evolutionarily distant species; this suggests that this variant may not impact the protein. Additional computational prediction tools do not suggest an impact. In summary, data on this variant is insufficient for disease classification. Therefore, the clinical significance of this variant is uncertain.